The following is an entry in ClinVar:

ClinVar aggregate classification (germline): Likely benign (0 of 4 stars; one submission).

Conditions:
RGR-related disorder. Also called: RGR-related condition.

Submission:

PreventionGenetics, part of Exact Sciences
Classification: Likely benign for RGR-related condition. Last evaluated: 2020-12-15. Review status: no assertion criteria provided. Collection method: clinical testing. Allele origin: germline.
Comment: This variant is classified as likely benign based on ACMG/AMP sequence variant interpretation guidelines (Richards et al. 2015 PMID: 25741868, with internal and published modifications).

NM_001012720.2(RGR):c.631-4C>G

Gene: RGR (retinal G protein coupled receptor; plus strand). Cytogenetic location: 10q23.1.
Variant type: single nucleotide variant.
Coding change: c.631-4C>G on transcript NM_001012720.2 (MANE Select); 4 bases into the intron before coding-DNA position 631, C replaced by G.
Molecular consequence: intron variant.
Genome position (GRCh38, 1-based): chr10:84,257,889, C>G. VCF-style: chr10-84257889-C-G. GRCh37 (hg19) VCF-style: chr10-86017645-C-G.
Other names: c.643-4C>G (NM_002921.4); c.631-619C>G (NM_001012722.2).
Identifiers: ClinVar variation 3030526 (VCV003030526.2), dbSNP rs1202633830, ClinGen allele CA2740093044.